The following is an entry in ClinVar:

NM_002439.5(MSH3):c.254_255del (p.Arg85fs)

Gene: MSH3 (mutS homolog 3; plus strand). Cytogenetic location: 5q14.1.
Variant type: Deletion.
Coding change: c.254_255del on transcript NM_002439.5 (MANE Select); coding-DNA positions 254 to 255, 2 bases deleted (GA; older notation c.254_255delGA).
Protein change: p.Arg85fs; shifts the reading frame from arginine 85.
Molecular consequence: frameshift variant.
Genome position (GRCh38, 1-based): chr5:80,656,427-80,656,428, GA deleted; deleting any 2 consecutive bases within chr5:80,656,426-80,656,428 gives the same sequence; the c. name uses the placement nearest the transcript's 3' end. VCF-style (leftmost placement, unchanged base first): chr5-80656425-CAG-C. GRCh37 (hg19) VCF-style: chr5-79952244-CAG-C.
Other names: short protein forms R85fs.
Identifiers: ClinVar variation 2158318 (VCV002158318.5), dbSNP rs1391355304, ClinGen allele CA560559023.
Genomic context (GRCh38, chr5:80,656,425, plus strand): 5'-TCTCAGAGTAGAGATAACACATCATTTTCTAACCTTCCCGATATAGGCTACAGAAATTGA[CAG>C]AAGAAAGAAGAGACCATTGGAAAATGATGGGCCTGTTAAAAAGAAAGTAAAGAAAGTCCA-3'

ClinVar aggregate classification (germline): Pathogenic. Review status: criteria provided, multiple submitters, no conflicts (2 of 4 stars). 2 submissions from 2 submitters: Pathogenic (2). Last evaluated 2025-04-07.

Conditions:
Familial adenomatous polyposis 4 (FAP4). Also called: MSH3-related attenuated familial adenomatous polyposis. Identifiers: Orphanet 480536, MedGen C4310719, MONDO:0044300, OMIM 617100.

Submissions (2):

Labcorp Genetics (formerly Invitae), Labcorp
Classification: Pathogenic. Last evaluated: 2025-04-07. Review status: criteria provided, single submitter. Criteria: Invitae Variant Classification Sherloc (09022015). Collection method: clinical testing. Allele origin: germline.
Comment: This sequence change creates a premature translational stop signal (p.Arg85Lysfs*9) in the MSH3 gene. It is expected to result in an absent or disrupted protein product. Loss-of-function variants in MSH3 are known to be pathogenic (PMID: 27476653, 37402566). This variant is present in population databases (no rsID available, gnomAD 0.006%). This variant has not been reported in the literature in individuals affected with MSH3-related conditions. ClinVar contains an entry for this variant (Variation ID: 2158318). For these reasons, this variant has been classified as Pathogenic.

Myriad Genetics, Inc.
Classification: Pathogenic for Familial adenomatous polyposis 4. Last evaluated: 2023-08-29. Review status: criteria provided, single submitter. Criteria: Myriad Autosomal Dominant, Autosomal Recessive and X-Linked Classification Criteria (2023). Collection method: clinical testing. Allele origin: unknown.
Comment: This variant is considered pathogenic. This variant creates a frameshift predicted to result in premature protein truncation.

Literature cited by the submitters: PubMed 27476653 (cited by Labcorp Genetics (formerly Invitae), Labcorp); PubMed 37402566 (cited by Labcorp Genetics (formerly Invitae), Labcorp).